The following is an entry in ClinVar:

NM_032608.7(MYO18B):c.5858A>G (p.Glu1953Gly)

Gene: MYO18B (myosin XVIIIB; plus strand). Cytogenetic location: 22q12.1.
Variant type: single nucleotide variant.
Coding change: c.5858A>G on transcript NM_032608.7 (MANE Select); coding-DNA position 5858, A replaced by G.
Protein change: p.Glu1953Gly; replaces glutamic acid 1953 with glycine.
Molecular consequence: missense variant.
Genome position (GRCh38, 1-based): chr22:25,952,311, A>G. VCF-style: chr22-25952311-A-G. GRCh37 (hg19) VCF-style: chr22-26348277-A-G.
Other names: c.5861A>G, p.Glu1954Gly (NM_001318245.2); c.5858A>G (NM_032608.5); short protein forms E1953G, E1954G.
Identifiers: ClinVar variation 1897334 (VCV001897334.4), dbSNP rs553075067, ClinGen allele CA10161314.

ClinVar aggregate classification (germline): Uncertain significance. Review status: criteria provided, multiple submitters, no conflicts (2 of 4 stars). 2 submissions from 2 submitters: Uncertain significance (2). Last evaluated 2025-05-04.

Conditions:
Inborn genetic diseases. Identifiers: MedGen C0950123, MeSH D030342.

Allele frequency attached by ClinVar (database versions not stated): gnomAD 0.00003; 1000 Genomes Project 0.00020; gnomAD exomes 0.00003; ExAC 0.00005; 1000 Genomes Project 30x 0.00016; TOPMed below 0.00001.
gnomAD v4.1: 45 of 1,611,060 alleles (0.0028%); highest among the groups gnomAD compares: South Asian, 0.043%; no homozygotes.

Submissions (2):

Ambry Genetics
Classification: Uncertain significance for Inborn genetic diseases. Last evaluated: 2025-05-04. Review status: criteria provided, single submitter. Criteria: Ambry Variant Classification Scheme 2023. Collection method: clinical testing. Allele origin: germline.

Labcorp Genetics (formerly Invitae), Labcorp
Classification: Uncertain significance. Last evaluated: 2022-05-09. Review status: criteria provided, single submitter. Criteria: Invitae Variant Classification Sherloc (09022015). Collection method: clinical testing. Allele origin: germline.
Comment: This sequence change replaces glutamic acid, which is acidic and polar, with glycine, which is neutral and non-polar, at codon 1953 of the MYO18B protein (p.Glu1953Gly). This variant is present in population databases (rs553075067, gnomAD 0.05%). This variant has not been reported in the literature in individuals affected with MYO18B-related conditions. Algorithms developed to predict the effect of missense changes on protein structure and function are either unavailable or do not agree on the potential impact of this missense change (SIFT: "Not Available"; PolyPhen-2: "Possibly Damaging"; Align-GVGD: "Not Available"). In summary, the available evidence is currently insufficient to determine the role of this variant in disease. Therefore, it has been classified as a Variant of Uncertain Significance.